The following is an entry in ClinVar:

NM_138801.3(GALM):c.238G>A (p.Ala80Thr)

Gene: GALM (galactose mutarotase; plus strand). Cytogenetic location: 2p22.1.
Variant type: single nucleotide variant.
Coding change: c.238G>A on transcript NM_138801.3 (MANE Select); coding-DNA position 238, G replaced by A.
Protein change: p.Ala80Thr; replaces alanine 80 with threonine.
Molecular consequence: missense variant.
Genome position (GRCh38, 1-based): chr2:38,675,959, G>A. VCF-style: chr2-38675959-G-A. GRCh37 (hg19) VCF-style: chr2-38903101-G-A.
Other names: short protein forms A80T.
Identifiers: ClinVar variation 2985894 (VCV002985894.2), dbSNP rs764044106, ClinGen allele CA1621440.

ClinVar aggregate classification (germline): Uncertain significance (1 of 4 stars; one submission).

Allele frequency attached by ClinVar (database versions not stated): gnomAD exomes below 0.00001; gnomAD 0.00001; ExAC 0.00002.

Submission:

Labcorp Genetics (formerly Invitae), Labcorp
Classification: Uncertain significance. Last evaluated: 2023-08-17. Review status: criteria provided, single submitter. Criteria: Invitae Variant Classification Sherloc (09022015). Collection method: clinical testing. Allele origin: germline.
Comment: This variant is present in population databases (rs764044106, gnomAD 0.003%). This sequence change replaces alanine, which is neutral and non-polar, with threonine, which is neutral and polar, at codon 80 of the GALM protein (p.Ala80Thr). This variant has not been reported in the literature in individuals affected with GALM-related conditions. In summary, the available evidence is currently insufficient to determine the role of this variant in disease. Therefore, it has been classified as a Variant of Uncertain Significance. Experimental studies have shown that this missense change does not substantially affect GALM function (PMID: 30910422). Advanced modeling of protein sequence and biophysical properties (such as structural, functional, and spatial information, amino acid conservation, physicochemical variation, residue mobility, and thermodynamic stability) performed at Invitae indicates that this missense variant is not expected to disrupt GALM protein function.

Literature cited by the submitters: PubMed 30910422.